The following is an entry in ClinVar:

ClinVar aggregate classification (germline): Likely benign (1 of 4 stars; one submission).

gnomAD v4.1: 5 of 1,613,106 alleles (0.00031%); highest among the groups gnomAD compares: Middle Eastern, 0.017%; no homozygotes.

Submission:

CeGaT Center for Human Genetics Tuebingen
Classification: Likely benign. Last evaluated: 2022-05-01. Review status: criteria provided, single submitter. Criteria: CeGaT Center For Human Genetics Tuebingen Variant Classification Criteria Version 2. Collection method: clinical testing. Allele origin: germline. Affected: yes. Observed: 1 variant allele.
Comment: COLQ: PM2:Supporting, BP4, BP7

NM_005677.4(COLQ):c.291G>C (p.Ser97=)

Gene: COLQ (collagen like tail subunit of asymmetric acetylcholinesterase; minus strand). Cytogenetic location: 3p25.1.
Variant type: single nucleotide variant.
Coding change: c.291G>C on transcript NM_005677.4 (MANE Select); coding-DNA position 291, G replaced by C.
Protein change: p.Ser97=; no amino-acid change (serine 97 retained).
Molecular consequence: synonymous variant. On other transcripts: intron variant (1).
Genome position (GRCh38, 1-based): chr3:15,488,236, C>G on the plus strand (G>C on the coding strand, the complement: COLQ is on the minus strand). VCF-style: chr3-15488236-C-G. GRCh37 (hg19) VCF-style: chr3-15529743-C-G.
Other names: c.261G>C, p.Ser87= (NM_080538.2); c.219+1289G>C (NM_080539.4).
Identifiers: ClinVar variation 1695065 (VCV001695065.31), dbSNP rs115201284, ClinGen allele CA70626282.